The following is an entry in ClinVar:

NM_013314.4(BLNK):c.647C>T (p.Thr216Met)

Gene: BLNK (B cell linker; minus strand). Cytogenetic location: 10q24.1.
Variant type: single nucleotide variant.
Coding change: c.647C>T on transcript NM_013314.4 (MANE Select); coding-DNA position 647, C replaced by T.
Protein change: p.Thr216Met; replaces threonine 216 with methionine.
Molecular consequence: missense variant. On other transcripts: non-coding transcript variant (1), intron variant (3).
Genome position (GRCh38, 1-based): chr10:96,215,350, G>A on the plus strand (C>T on the coding strand, the complement: BLNK is on the minus strand). VCF-style: chr10-96215350-G-A. GRCh37 (hg19) VCF-style: chr10-97975106-G-A.
Other names: c.647C>T, p.Thr216Met (NM_001258440.2); c.350-18C>T (NM_001258442.2); c.607+1303C>T (NM_001258441.2, NM_001114094.2); short protein forms T216M.
Identifiers: ClinVar variation 2143990 (VCV002143990.1), dbSNP rs781988380, ClinGen allele CA5623383.

ClinVar aggregate classification (germline): Uncertain significance (1 of 4 stars; one submission).

Conditions:
Agammaglobulinemia 4, autosomal recessive (AGM4). Also called: AGAMMAGLOBULINEMIA, AUTOSOMAL RECESSIVE, DUE TO BLNK DEFECT; B cell linker protein deficiency. Identifiers: MedGen C3150752, MONDO:0013289, OMIM 613502.

Allele frequency attached by ClinVar (database versions not stated): gnomAD 0.00001; TOPMed 0.00001; ExAC 0.00004.
gnomAD v4.1: 26 of 1,613,888 alleles (0.0016%); highest among the groups gnomAD compares: Middle Eastern, 0.033%; no homozygotes.

Submission:

Labcorp Genetics (formerly Invitae), Labcorp
Classification: Uncertain significance for Agammaglobulinemia 4, autosomal recessive. Last evaluated: 2022-08-12. Review status: criteria provided, single submitter. Criteria: Invitae Variant Classification Sherloc (09022015). Collection method: clinical testing. Allele origin: germline.
Comment: This sequence change replaces threonine, which is neutral and polar, with methionine, which is neutral and non-polar, at codon 216 of the BLNK protein (p.Thr216Met). This variant is present in population databases (rs781988380, gnomAD 0.005%). This variant has not been reported in the literature in individuals affected with BLNK-related conditions. Algorithms developed to predict the effect of missense changes on protein structure and function output the following: SIFT: "Tolerated"; PolyPhen-2: "Benign"; Align-GVGD: "Class C0". The methionine amino acid residue is found in multiple mammalian species, which suggests that this missense change does not adversely affect protein function. Algorithms developed to predict the effect of sequence changes on RNA splicing suggest that this variant may disrupt the consensus splice site. In summary, the available evidence is currently insufficient to determine the role of this variant in disease. Therefore, it has been classified as a Variant of Uncertain Significance.